The following is an entry in ClinVar:

ClinVar aggregate classification (germline): Likely pathogenic (1 of 4 stars; one submission).

Conditions:
Dilated cardiomyopathy 1G (CMD1G). Identifiers: Orphanet 154, MedGen C1858763, MONDO:0011400, OMIM 604145.
Autosomal recessive limb-girdle muscular dystrophy type 2J (LGMDR10). Also called: Limb-girdle muscular dystrophy, type 2J; MUSCULAR DYSTROPHY, LIMB-GIRDLE, AUTOSOMAL RECESSIVE 10. Identifiers: Orphanet 140922, MedGen C1837342, MONDO:0012127, OMIM 608807.

Submission:

Labcorp Genetics (formerly Invitae), Labcorp
Classification: Likely pathogenic for Dilated cardiomyopathy 1G; Autosomal recessive limb-girdle muscular dystrophy type 2J. Last evaluated: 2020-02-04. Review status: criteria provided, single submitter. Criteria: Invitae Variant Classification Sherloc (09022015). Collection method: clinical testing. Allele origin: germline.
Comment: In summary, the currently available evidence indicates that the variant is pathogenic, but additional data are needed to prove that conclusively. Therefore, this variant has been classified as Likely Pathogenic. This variant is located in the A band of TTN (PMID: 25589632). Truncating variants in this region are significantly overrepresented in patients affected with dilated cardiomyopathy (PMID: 25589632). Truncating variants in this region have also been reported in individuals affected with autosomal recessive centronuclear myopathy (PMID: 23975875). This variant has not been reported in the literature in individuals with TTN-related conditions. This variant is not present in population databases (ExAC no frequency). This sequence change results in a premature translational stop signal in the TTN gene (p.Gly32925Valfs*56). While this is not anticipated to result in nonsense mediated decay, it is expected to create a truncated TTN protein.

Literature cited by the submitters: PubMed 25589632; PubMed 23975875.

NM_001267550.2(TTN):c.98774del (p.Gly32925fs)

Genes: TTN-AS1 (TTN antisense RNA 1; plus strand), TTN (titin; minus strand). Cytogenetic location: 2q31.2.
Variant type: Deletion.
Coding change: c.98774del on transcript NM_001267550.2 (MANE Select); coding-DNA position 98774, one base deleted (G; older notation c.98774delG).
Protein change: p.Gly32925fs; shifts the reading frame from glycine 32925.
Molecular consequence: frameshift variant. On other transcripts: non-coding transcript variant (1).
Genome position (GRCh38, 1-based): chr2:178,539,161, C deleted on the plus strand (G on the coding strand, the reverse complement: TTN is on the minus strand); the first of 2 consecutive C bases (chr2:178,539,161-178,539,162); deleting either gives the same sequence. VCF-style (leftmost placement, unchanged base first): chr2-178539160-AC-A. GRCh37 (hg19) VCF-style: chr2-179403887-AC-A.
Other names: c.93851del, p.Gly31284fs (NM_001256850.1); c.71579del, p.Gly23860fs (NM_003319.4); c.91070del, p.Gly30357fs (NM_133378.4); c.71954del, p.Gly23985fs (NM_133432.3); c.72155del, p.Gly24052fs (NM_133437.4); short protein forms G23860fs, G23985fs, G24052fs, G30357fs, G31284fs, G32925fs.
Identifiers: ClinVar variation 1068389 (VCV001068389.11), dbSNP rs2154139656, ClinGen allele CA2499215298.